The following is an entry in ClinVar:

NM_001142864.4(PIEZO1):c.2321T>C (p.Val774Ala)

Genes: HSALR1 (HSP90AB1 associated lncRNA 1; plus strand), PIEZO1 (piezo type mechanosensitive ion channel component 1 (Er blood group); minus strand). Cytogenetic location: 16q24.3.
Variant type: single nucleotide variant.
Coding change: c.2321T>C on transcript NM_001142864.4 (MANE Select); coding-DNA position 2321, T replaced by C.
Protein change: p.Val774Ala; replaces valine 774 with alanine.
Molecular consequence: missense variant.
Genome position (GRCh38, 1-based): chr16:88,733,914, A>G on the plus strand (T>C on the coding strand, the complement: PIEZO1 is on the minus strand). VCF-style: chr16-88733914-A-G. GRCh37 (hg19) VCF-style: chr16-88800322-A-G.
Other names: short protein forms V774A.
Identifiers: ClinVar variation 3347327 (VCV003347327.1).

ClinVar aggregate classification (germline): Uncertain significance (0 of 4 stars; one submission).

Conditions:
PIEZO1-related disorder. Also called: PIEZO1-related condition; PIEZO1-Related Disorders.

Submission:

PreventionGenetics, part of Exact Sciences
Classification: Uncertain significance for PIEZO1-related condition. Last evaluated: 2024-08-13. Review status: no assertion criteria provided. Collection method: clinical testing. Allele origin: germline.
Comment: The PIEZO1 c.2321T>C variant is predicted to result in the amino acid substitution p.Val774Ala. To our knowledge, this variant has not been reported in the literature or in a large population database, indicating this variant is rare. At this time, the clinical significance of this variant is uncertain due to the absence of conclusive functional and genetic evidence.